The following is an entry in ClinVar:

NM_024652.6(LRRK1):c.1668C>T (p.Asn556=)

Gene: LRRK1 (leucine rich repeat kinase 1; plus strand). Cytogenetic location: 15q26.3.
Variant type: single nucleotide variant.
Coding change: c.1668C>T on transcript NM_024652.6 (MANE Select); coding-DNA position 1668, C replaced by T.
Protein change: p.Asn556=; no amino-acid change (asparagine 556 retained).
Molecular consequence: synonymous variant.
Genome position (GRCh38, 1-based): chr15:101,021,111, C>T. VCF-style: chr15-101021111-C-T. GRCh37 (hg19) VCF-style: chr15-101561316-C-T.
Other names: c.1668C>T (NM_024652.5).
Identifiers: ClinVar variation 1623610 (VCV001623610.11), dbSNP rs56215707, ClinGen allele CA7760980.

ClinVar aggregate classification (germline): Benign. Review status: criteria provided, multiple submitters, no conflicts (2 of 4 stars). 3 submissions from 3 submitters: Benign (2). 1 of the submissions does not count toward it. Last evaluated 2026-01-28.

Conditions:
LRRK1-related disorder. Also called: LRRK1-related condition.

Allele frequency attached by ClinVar (database versions not stated): gnomAD exomes 0.01747; ExAC 0.02129; gnomAD 0.06744 and 0.07254; 1000 Genomes Project 0.06889; ESP Exome Variant Server 0.07176; 1000 Genomes Project 30x 0.07199; TOPMed 0.07584.
gnomAD v4.1: 20,975 of 1,614,058 alleles (1.3%); highest among the groups gnomAD compares: African/African-American, 23%; 2,131 homozygotes.

Submissions (3):

Labcorp Genetics (formerly Invitae), Labcorp
Classification: Benign. Last evaluated: 2026-01-28. Review status: criteria provided, single submitter. Criteria: Invitae Variant Classification Sherloc (09022015). Collection method: clinical testing. Allele origin: germline.

Breakthrough Genomics
Classification: Benign. Review status: criteria provided, single submitter. Criteria: ACMG Guidelines, 2015. Collection method: not provided. Allele origin: germline. Inheritance: Autosomal recessive inheritance. Affected: yes.

PreventionGenetics, part of Exact Sciences
Classification: Benign for LRRK1-related condition. Last evaluated: 2019-12-23. Review status: no assertion criteria provided. Collection method: clinical testing. Allele origin: germline. Not counted in ClinVar's aggregate classification.
Comment: This variant is classified as benign based on ACMG/AMP sequence variant interpretation guidelines (Richards et al. 2015 PMID: 25741868, with internal and published modifications).